The following is an entry in ClinVar:

NM_001267550.2(TTN):c.50148T>A (p.Thr16716=)

Genes: TTN (titin; minus strand), TTN-AS1 (TTN antisense RNA 1; plus strand). Cytogenetic location: 2q31.2.
Variant type: single nucleotide variant.
Coding change: c.50148T>A on transcript NM_001267550.2 (MANE Select); coding-DNA position 50148, T replaced by A.
Protein change: p.Thr16716=; no amino-acid change (threonine 16716 retained).
Molecular consequence: synonymous variant.
Genome position (GRCh38, 1-based): chr2:178,612,377, A>T on the plus strand (T>A on the coding strand, the complement: TTN is on the minus strand). VCF-style: chr2-178612377-A-T. GRCh37 (hg19) VCF-style: chr2-179477104-A-T.
Other names: c.45225T>A, p.Thr15075= (NM_001256850.1); c.22953T>A, p.Thr7651= (NM_003319.4); c.42444T>A, p.Thr14148= (NM_133378.4); c.23328T>A, p.Thr7776= (NM_133432.3); c.23529T>A, p.Thr7843= (NM_133437.4); c.50148T>A (NM_001267550.1).
Identifiers: ClinVar variation 467221 (VCV000467221.10), dbSNP rs374138859, ClinGen allele CA1994438.

ClinVar aggregate classification (germline): Conflicting classifications of pathogenicity. Review status: criteria provided, conflicting classifications (1 of 4 stars). 6 submissions from 6 submitters: Uncertain significance (2); Likely benign (4). Last evaluated 2026-08-01.

Conditions:
Cardiovascular phenotype. Identifiers: MedGen CN230736.
TTN-related disorder. Also called: TTN-related disorders; TTN-related condition; TTN-related disease.
Dilated cardiomyopathy 1G (CMD1G). Identifiers: Orphanet 154, MedGen C1858763, MONDO:0011400, OMIM 604145.
Autosomal recessive limb-girdle muscular dystrophy type 2J (LGMDR10). Also called: Limb-girdle muscular dystrophy, type 2J; MUSCULAR DYSTROPHY, LIMB-GIRDLE, AUTOSOMAL RECESSIVE 10. Identifiers: Orphanet 140922, MedGen C1837342, MONDO:0012127, OMIM 608807.

Allele frequency attached by ClinVar (database versions not stated): gnomAD 0.00001; TOPMed 0.00001; ExAC 0.00003; ESP Exome Variant Server 0.00008.
gnomAD v4.1: 12 of 1,612,464 alleles (0.00074%); highest among the groups gnomAD compares: Admixed American, 0.005%; no homozygotes.

Submissions (6):

CeGaT Center for Human Genetics Tuebingen
Classification: Likely benign. Last evaluated: 2026-08-01. Review status: criteria provided, single submitter. Criteria: CeGaT Center For Human Genetics Tuebingen Variant Classification Criteria Version 2. Collection method: clinical testing. Allele origin: germline. Affected: yes. Observed: 1 variant allele.
Comment: TTN: BP4, BP7

PreventionGenetics, part of Exact Sciences
Classification: Likely benign for TTN-related condition. Last evaluated: 2025-05-22. Review status: criteria provided, single submitter. Criteria: ACMG Guidelines, 2015. Collection method: clinical testing. Allele origin: germline.
Comment: This variant is classified as likely benign based on ACMG/AMP sequence variant interpretation guidelines (Richards et al. 2015 PMID: 25741868, with internal and published modifications).

Ambry Genetics
Classification: Likely benign for Cardiovascular phenotype. Last evaluated: 2023-05-06. Review status: criteria provided, single submitter. Criteria: Ambry Variant Classification Scheme 2023. Collection method: clinical testing. Allele origin: germline.

Revvity Omics, Revvity
Classification: Uncertain significance. Last evaluated: 2022-11-14. Review status: criteria provided, single submitter. Criteria: ACMG Guidelines, 2015. Collection method: clinical testing. Allele origin: germline.

GeneDx
Classification: Likely benign. Last evaluated: 2018-09-21. Review status: criteria provided, single submitter. Criteria: GeneDx Variant Classification Process June 2021. Collection method: clinical testing. Allele origin: germline. Affected: yes.
Comment: See Variant Classification Assertion Criteria.

Labcorp Genetics (formerly Invitae), Labcorp
Classification: Uncertain significance for Dilated cardiomyopathy 1G; Autosomal recessive limb-girdle muscular dystrophy type 2J. Last evaluated: 2017-03-25. Review status: criteria provided, single submitter. Criteria: Invitae Variant Classification Sherloc (09022015). Collection method: clinical testing. Allele origin: germline.
Comment: This sequence change affects codon 16716 of the TTN mRNA. It is a 'silent' change, meaning that it does not change the encoded amino acid sequence of the TTN protein. This variant is present in population databases (rs374138859, ExAC 0.009%) but has not been reported in the literature in individuals with a TTN-related disease. This variant identified in the TTN gene is located in the A band of the resulting protein (PMID: 25589632). It is unclear how this variant impacts the function of this protein. Algorithms developed to predict the effect of missense changes on protein structure and function are unavailable for the TTN gene. Algorithms developed to predict the effect of sequence changes on RNA splicing suggest that this variant may alter RNA splicing, but this prediction has not been confirmed by published transcriptional studies. In summary, this is a rare silent change with uncertain impact on splicing. It has been classified as a Variant of Uncertain Significance.

Literature cited by the submitters: PubMed 25589632 (cited by Labcorp Genetics (formerly Invitae), Labcorp).